The following is an entry in ClinVar:

NM_000069.3(CACNA1S):c.1172G>T (p.Gly391Val)

Gene: CACNA1S (calcium voltage-gated channel subunit alpha1 S; minus strand). Cytogenetic location: 1q32.1.
Variant type: single nucleotide variant.
Coding change: c.1172G>T on transcript NM_000069.3 (MANE Select); coding-DNA position 1172, G replaced by T.
Protein change: p.Gly391Val; replaces glycine 391 with valine.
Molecular consequence: missense variant.
Genome position (GRCh38, 1-based): chr1:201,085,010, C>A on the plus strand (G>T on the coding strand, the complement: CACNA1S is on the minus strand). VCF-style: chr1-201085010-C-A. GRCh37 (hg19) VCF-style: chr1-201054138-C-A.
Other names: short protein forms G391V.
Identifiers: ClinVar variation 3075449 (VCV003075449.1), dbSNP rs2464596418, ClinGen allele CA344128133.

ClinVar aggregate classification (germline): Uncertain significance (1 of 4 stars; one submission).

Conditions:
Malignant hyperthermia, susceptibility to, 5 (MHS5). Also called: CACNA1S-Related Malignant Hyperthermia Susceptibility. Identifiers: Orphanet 423, MedGen C1866077, MONDO:0011163, OMIM 601887.

Submission:

All of Us Research Program, National Institutes of Health
Classification: Uncertain significance for Malignant hyperthermia, susceptibility to, 5. Last evaluated: 2024-02-05. Review status: criteria provided, single submitter. Criteria: ACMG Guidelines, 2015. Collection method: clinical testing. Allele origin: germline. Inheritance: Autosomal dominant inheritance. Observed: 1 variant allele, 1 heterozygote.
Comment: This missense variant replaces glycine with valine at codon 391 of the CACNA1S protein. Computational prediction is inconclusive regarding the impact of this variant on protein structure and function (internally defined REVEL score threshold 0.5 < inconclusive < 0.7, PMID: 27666373). To our knowledge, functional studies have not been reported for this variant. This variant has not been reported in individuals affected with CACNA1S-related disorders in the literature. This variant has not been identified in the general population by the Genome Aggregation Database (gnomAD). The available evidence is insufficient to determine the role of this variant in disease conclusively. Therefore, this variant is classified as a Variant of Uncertain Significance.

This study involves interpretation of variants in research participants for the purpose of population health screening. Participant phenotype was not available at the time of variant classification. Additional details can be found in publication PMID: 35346344, PMCID: PMC8962531